The following is an entry in ClinVar:

ClinVar aggregate classification (germline): Likely benign. Review status: criteria provided, multiple submitters, no conflicts (2 of 4 stars). 3 submissions from 3 submitters: Likely benign (3). Last evaluated 2025-11-15.

Conditions:
Muscular dystrophy-dystroglycanopathy (congenital with brain and eye anomalies), type A14. Also called: Congenital muscular dystrophy-dystroglycanopathy with brain and eye anomalies, type A14; WALKER-WARBURG SYNDROME OR MUSCLE-EYE-BRAIN DISEASE, GMPPB-RELATED; Muscular dystrophy-dystroglycanopathy (congenital with brain and eye anomalies), type a, 14; Congenital Muscular Dystrophy-Dystroglycanopathy with Brain and Eye Anomalies Type A 14. Identifiers: Orphanet 588, MedGen C3809216, MONDO:0014140, OMIM 615350.
Muscular dystrophy-dystroglycanopathy (congenital with impaired intellectual development), type B, 14. Also called: Congenital muscular dystrophy-dystroglycanopathy with mental retardation, type B14; Muscular dystrophy-dystroglycanopathy (congenital with intellectual disability), type B14; MUSCULAR DYSTROPHY, CONGENITAL, GMPPB-RELATED. Identifiers: MedGen C3809221, MONDO:0014141, OMIM 615351.
Autosomal recessive limb-girdle muscular dystrophy type 2T. Also called: Limb-girdle muscular dystrophy-dystroglycanopathy, type C14; MUSCULAR DYSTROPHY-DYSTROGLYCANOPATHY, LIMB-GIRDLE, GMPPB-RELATED; MUSCULAR DYSTROPHY, LIMB-GIRDLE, TYPE 2T; Muscular dystrophy-dystroglycanopathy (limb-girdle), type c, 14. Identifiers: Orphanet 363623, MedGen C4518000, MONDO:0014142, OMIM 615352.

Allele frequency attached by ClinVar (database versions not stated): ESP Exome Variant Server 0.00008; gnomAD exomes 0.00006; ExAC 0.00008; 1000 Genomes Project 30x 0.00031; gnomAD 0.00033 and 0.00035; 1000 Genomes Project 0.00040; TOPMed 0.00039.
gnomAD v4.1: 98 of 1,613,874 alleles (0.0061%); highest among the groups gnomAD compares: African/African-American, 0.13%; no homozygotes.

Submissions (3):

Labcorp Genetics (formerly Invitae), Labcorp
Classification: Likely benign for Autosomal recessive limb-girdle muscular dystrophy type 2T; Muscular dystrophy-dystroglycanopathy (congenital with brain and eye anomalies), type A14; Muscular dystrophy-dystroglycanopathy (congenital with impaired intellectual development), type B, 14. Last evaluated: 2025-11-15. Review status: criteria provided, single submitter. Criteria: Invitae Variant Classification Sherloc (09022015). Collection method: clinical testing. Allele origin: germline.

CeGaT Center for Human Genetics Tuebingen
Classification: Likely benign. Last evaluated: 2022-04-01. Review status: criteria provided, single submitter. Criteria: CeGaT Center For Human Genetics Tuebingen Variant Classification Criteria Version 2. Collection method: clinical testing. Allele origin: germline. Affected: yes. Observed: 1 variant allele.
Comment: GMPPB: BP4, BP7

GeneDx
Classification: Likely benign. Last evaluated: 2018-11-27. Review status: criteria provided, single submitter. Criteria: GeneDx Variant Classification Process June 2021. Collection method: clinical testing. Allele origin: germline. Affected: yes.

NM_021971.4(GMPPB):c.729G>A (p.Arg243=)

Gene: GMPPB (GDP-mannose pyrophosphorylase B; minus strand). Cytogenetic location: 3p21.31.
Variant type: single nucleotide variant.
Coding change: c.729G>A on transcript NM_021971.4 (MANE Select); coding-DNA position 729, G replaced by A.
Protein change: p.Arg243=; no amino-acid change (arginine 243 retained).
Molecular consequence: synonymous variant.
Genome position (GRCh38, 1-based): chr3:49,722,270, C>T on the plus strand (G>A on the coding strand, the complement: GMPPB is on the minus strand). VCF-style: chr3-49722270-C-T. GRCh37 (hg19) VCF-style: chr3-49759703-C-T.
Other names: c.729G>A, p.Arg243= (NM_013334.4).
Identifiers: ClinVar variation 705182 (VCV000705182.37), dbSNP rs370448223, ClinGen allele CA2405463.